The following is an entry in ClinVar:

ClinVar aggregate classification (germline): Uncertain significance (1 of 4 stars; one submission).

Conditions:
Neurofibromatosis, type 1 (NF1). Also called: VON RECKLINGHAUSEN DISEASE; Neurofibromatosis, type I; Peripheral type neurofibromatosis; NEUROFIBROMATOSIS, TYPE I, SOMATIC. Identifiers: Orphanet 636, MedGen C0027831, MONDO:0018975, OMIM 162200. Disease mechanism: loss of function.

Allele frequency attached by ClinVar (database versions not stated): gnomAD exomes below 0.00001.
gnomAD v4.1: 1 of 1,613,764 alleles (0.000062%); highest among the groups gnomAD compares: Non-Finnish European, 0.000085%; no homozygotes.

Submission:

Labcorp Genetics (formerly Invitae), Labcorp
Classification: Uncertain significance for Neurofibromatosis, type 1. Last evaluated: 2026-02-03. Review status: criteria provided, single submitter. Criteria: Invitae Variant Classification Sherloc (09022015). Collection method: clinical testing. Allele origin: germline.
Comment: This sequence change replaces proline, which is neutral and non-polar, with leucine, which is neutral and non-polar, at codon 677 of the NF1 protein (p.Pro677Leu). This variant is not present in population databases (gnomAD no frequency). This variant has not been reported in the literature in individuals affected with NF1-related conditions. ClinVar contains an entry for this variant (Variation ID: 2848011). Invitae Evidence Modeling of protein sequence and biophysical properties (such as structural, functional, and spatial information, amino acid conservation, physicochemical variation, residue mobility, and thermodynamic stability) indicates that this missense variant is not expected to disrupt NF1 protein function with a negative predictive value of 95%. In summary, the available evidence is currently insufficient to determine the role of this variant in disease. Therefore, it has been classified as a Variant of Uncertain Significance.

NM_001042492.3(NF1):c.2030C>T (p.Pro677Leu)

Gene: NF1 (neurofibromin 1; plus strand). Cytogenetic location: 17q11.2.
Variant type: single nucleotide variant.
Coding change: c.2030C>T on transcript NM_001042492.3 (MANE Select); coding-DNA position 2030, C replaced by T.
Protein change: p.Pro677Leu; replaces proline 677 with leucine.
Molecular consequence: missense variant.
Genome position (GRCh38, 1-based): chr17:31,226,463, C>T. VCF-style: chr17-31226463-C-T. GRCh37 (hg19) VCF-style: chr17-29553481-C-T.
Other names: c.2030C>T, p.Pro677Leu (NM_000267.4); short protein forms P677L.
Identifiers: ClinVar variation 2848011 (VCV002848011.3), dbSNP rs2151425588, ClinGen allele CA398982046.